The following is an entry in ClinVar:

NM_001042492.3(NF1):c.1792A>G (p.Lys598Glu)

Gene: NF1 (neurofibromin 1; plus strand). Cytogenetic location: 17q11.2.
Variant type: single nucleotide variant.
Coding change: c.1792A>G on transcript NM_001042492.3 (MANE Select); coding-DNA position 1792, A replaced by G.
Protein change: p.Lys598Glu; replaces lysine 598 with glutamic acid.
Molecular consequence: missense variant.
Genome position (GRCh38, 1-based): chr17:31,223,514, A>G. VCF-style: chr17-31223514-A-G. GRCh37 (hg19) VCF-style: chr17-29550532-A-G.
Other names: c.1792A>G, p.Lys598Glu (NM_000267.4); short protein forms K598E.
Identifiers: ClinVar variation 4615829 (VCV004615829.1).

ClinVar aggregate classification (germline): Uncertain significance (1 of 4 stars; one submission).

Conditions:
Cardiovascular phenotype. Identifiers: MedGen CN230736.
Hereditary cancer-predisposing syndrome. Also called: Neoplastic Syndromes, Hereditary; Tumor predisposition; Hereditary Cancer Syndrome; Hereditary neoplastic syndrome. Identifiers: Orphanet 140162, MedGen C0027672, MeSH D009386, MONDO:0015356.

gnomAD v4.1: 1 of 1,612,992 alleles (0.000062%); highest among the groups gnomAD compares: Non-Finnish European, 0.000085%; no homozygotes.

Submission:

Ambry Genetics
Classification: Uncertain significance for Cardiovascular phenotype; Hereditary cancer-predisposing syndrome. Last evaluated: 2025-12-09. Review status: criteria provided, single submitter. Criteria: Ambry Variant Classification Scheme 2023. Collection method: clinical testing. Allele origin: germline.
Comment: The p.K598E variant (also known as c.1792A>G), located in coding exon 16 of the NF1 gene, results from an A to G substitution at nucleotide position 1792. The lysine at codon 598 is replaced by glutamic acid, an amino acid with similar properties. This amino acid position is highly conserved in available vertebrate species. In addition, this alteration is predicted to be deleterious by in silico analysis. Based on the available evidence, the clinical significance of this variant remains unclear.